The following is an entry in ClinVar:

ClinVar aggregate classification (germline): Uncertain significance (1 of 4 stars; one submission).

Conditions:
Hereditary cancer-predisposing syndrome. Also called: Tumor predisposition; Hereditary neoplastic syndrome; Neoplastic Syndromes, Hereditary; Hereditary Cancer Syndrome. Identifiers: Orphanet 140162, MedGen C0027672, MeSH D009386, MONDO:0015356.

Submission:

Ambry Genetics
Classification: Uncertain significance for Hereditary cancer-predisposing syndrome. Last evaluated: 2025-04-03. Review status: criteria provided, single submitter. Criteria: Ambry Variant Classification Scheme 2023. Collection method: clinical testing. Allele origin: germline.
Comment: The p.Q24E variant (also known as c.70C>G), located in coding exon 1 of the EPCAM gene, results from a C to G substitution at nucleotide position 70. The glutamine at codon 24 is replaced by glutamic acid, an amino acid with highly similar properties. This amino acid position is conserved. In addition, this alteration is predicted to be tolerated by in silico analysis. Based on the available evidence, the clinical significance of this variant remains unclear.

NM_002354.3(EPCAM):c.70C>G (p.Gln24Glu)

Gene: EPCAM (epithelial cell adhesion molecule; plus strand). Cytogenetic location: 2p21.
Variant type: single nucleotide variant.
Coding change: c.70C>G on transcript NM_002354.3 (MANE Select); coding-DNA position 70, C replaced by G.
Protein change: p.Gln24Glu; replaces glutamine 24 with glutamic acid.
Molecular consequence: missense variant.
Genome position (GRCh38, 1-based): chr2:47,369,575, C>G. VCF-style: chr2-47369575-C-G. GRCh37 (hg19) VCF-style: chr2-47596714-C-G.
Other names: short protein forms Q24E.
Identifiers: ClinVar variation 4018564 (VCV004018564.1).